The following is an entry in ClinVar:

NM_000059.4(BRCA2):c.3781T>A (p.Ser1261Thr)

Gene: BRCA2 (BRCA2 DNA repair associated; plus strand). Cytogenetic location: 13q13.1.
Variant type: single nucleotide variant.
Coding change: c.3781T>A on transcript NM_000059.4 (MANE Select); coding-DNA position 3781, T replaced by A.
Protein change: p.Ser1261Thr; replaces serine 1261 with threonine.
Molecular consequence: missense variant.
Genome position (GRCh38, 1-based): chr13:32,338,136, T>A. VCF-style: chr13-32338136-T-A. GRCh37 (hg19) VCF-style: chr13-32912273-T-A.
Other names: c.3781T>A (NM_000059.3); short protein forms S1261T.
Identifiers: ClinVar variation 1519051 (VCV001519051.10), dbSNP rs2137499946, ClinGen allele CA387778323.

ClinVar aggregate classification (germline): Conflicting classifications of pathogenicity. Review status: criteria provided, conflicting classifications (1 of 4 stars). 3 submissions from 3 submitters: Uncertain significance (2); Likely benign (1). Last evaluated 2026-07-02.

Conditions:
Hereditary cancer-predisposing syndrome. Also called: Hereditary Cancer Syndrome; Tumor predisposition; Neoplastic Syndromes, Hereditary; Hereditary neoplastic syndrome. Identifiers: Orphanet 140162, MedGen C0027672, MeSH D009386, MONDO:0015356.
Hereditary breast ovarian cancer syndrome. Also called: Hereditary breast and ovarian cancer; Hereditary breast and/or ovarian cancer syndrome; Breast and ovarian cancer; Hereditary breast and ovarian cancer syndrome; Hereditary breast and ovarian cancer syndrome (HBOC); BRCA1- and BRCA2-Associated Hereditary Breast and Ovarian Cancer. Identifiers: Orphanet 145, MedGen C0677776, MeSH D061325, MONDO:0003582. Disease mechanism: loss of function.

Submissions (3):

Ambry Genetics
Classification: Uncertain significance for Hereditary cancer-predisposing syndrome. Last evaluated: 2026-07-02. Review status: criteria provided, single submitter. Criteria: Ambry Variant Classification Scheme 2023. Collection method: clinical testing. Allele origin: germline.
Comment: The p.S1261T variant (also known as c.3781T>A), located in coding exon 10 of the BRCA2 gene, results from a T to A substitution at nucleotide position 3781. The serine at codon 1261 is replaced by threonine, an amino acid with similar properties. This amino acid position is conserved. In addition, this alteration is predicted to be tolerated by in silico analysis. Based on the available evidence, the clinical significance of this variant remains unclear.

Labcorp Genetics (formerly Invitae), Labcorp
Classification: Uncertain significance for Hereditary breast ovarian cancer syndrome. Last evaluated: 2024-01-10. Review status: criteria provided, single submitter. Criteria: Invitae Variant Classification Sherloc (09022015). Collection method: clinical testing. Allele origin: germline.
Comment: This sequence change replaces serine, which is neutral and polar, with threonine, which is neutral and polar, at codon 1261 of the BRCA2 protein (p.Ser1261Thr). This variant is not present in population databases (gnomAD no frequency). This variant has not been reported in the literature in individuals affected with BRCA2-related conditions. ClinVar contains an entry for this variant (Variation ID: 1519051). Advanced modeling of protein sequence and biophysical properties (such as structural, functional, and spatial information, amino acid conservation, physicochemical variation, residue mobility, and thermodynamic stability) performed at Invitae indicates that this missense variant is not expected to disrupt BRCA2 protein function with a negative predictive value of 95%. In summary, the available evidence is currently insufficient to determine the role of this variant in disease. Therefore, it has been classified as a Variant of Uncertain Significance.

University of Washington Department of Laboratory Medicine, University of Washington
Classification: Likely benign for Hereditary cancer-predisposing syndrome. Last evaluated: 2023-03-23. Review status: criteria provided, single submitter. Criteria: Dines et al. (Genet Med. 2020). Collection method: curation. Allele origin: germline.
Comment: Missense variant in a coldspot region where missense variants are very unlikely to be pathogenic (PMID:31911673).

BRCA2 exon 11 coldspot. Reclassification based on statistical prior probability.